The following is an entry in ClinVar:

NM_182914.3(SYNE2):c.14792A>C (p.Lys4931Thr)

Gene: SYNE2 (spectrin repeat containing nuclear envelope protein 2; plus strand). Cytogenetic location: 14q23.2.
Variant type: single nucleotide variant.
Coding change: c.14792A>C on transcript NM_182914.3 (MANE Select); coding-DNA position 14792, A replaced by C.
Protein change: p.Lys4931Thr; replaces lysine 4931 with threonine.
Molecular consequence: missense variant.
Genome position (GRCh38, 1-based): chr14:64,137,932, A>C. VCF-style: chr14-64137932-A-C. GRCh37 (hg19) VCF-style: chr14-64604650-A-C.
Other names: c.14792A>C, p.Lys4931Thr (NM_015180.6); short protein forms K4931T.
Identifiers: ClinVar variation 2906731 (VCV002906731.3), dbSNP rs147640636, ClinGen allele CA7222871.

ClinVar aggregate classification (germline): Uncertain significance (1 of 4 stars; one submission).

Conditions:
Emery-Dreifuss muscular dystrophy 5, autosomal dominant (EDMD5). Also called: EMERY-DREIFUSS MUSCULAR DYSTROPHY 5. Identifiers: Orphanet 261, MedGen C2751805, MONDO:0013072, OMIM 612999.

gnomAD v4.1: 21 of 1,614,032 alleles (0.0013%); highest among the groups gnomAD compares: South Asian, 0.023%; no homozygotes.

Submission:

Labcorp Genetics (formerly Invitae), Labcorp
Classification: Uncertain significance for Emery-Dreifuss muscular dystrophy 5, autosomal dominant. Last evaluated: 2023-09-20. Review status: criteria provided, single submitter. Criteria: Invitae Variant Classification Sherloc (09022015). Collection method: clinical testing. Allele origin: germline.
Comment: In summary, the available evidence is currently insufficient to determine the role of this variant in disease. Therefore, it has been classified as a Variant of Uncertain Significance. An algorithm developed to predict the effect of missense changes on protein structure and function (PolyPhen-2) suggests that this variant is likely to be disruptive. This variant has not been reported in the literature in individuals affected with SYNE2-related conditions. This variant is present in population databases (rs147640636, gnomAD 0.02%). This sequence change replaces lysine, which is basic and polar, with threonine, which is neutral and polar, at codon 4931 of the SYNE2 protein (p.Lys4931Thr).